The following is an entry in ClinVar:

ClinVar aggregate classification (germline): Uncertain significance (1 of 4 stars; one submission).

Conditions:
CDH2-related disorder. Also called: CDH2-related condition.

gnomAD v4.1: 4 of 1,613,642 alleles (0.00025%); highest among the groups gnomAD compares: African/African-American, 0.004%; no homozygotes.

Submission:

PreventionGenetics, part of Exact Sciences
Classification: Uncertain significance for CDH2-related condition. Last evaluated: 2025-03-18. Review status: criteria provided, single submitter. Criteria: ACMG Guidelines, 2015. Collection method: clinical testing. Allele origin: germline.
Comment: The CDH2 c.2674C>A variant is predicted to result in the amino acid substitution p.Pro892Thr. To our knowledge, this variant has not been reported in the literature or in a large population database (gnomAD), indicating this variant is rare. At this time, the clinical significance of this variant is uncertain due to the absence of conclusive functional and genetic evidence.

NM_001792.5(CDH2):c.2674C>A (p.Pro892Thr)

Genes: CDH2 (cadherin 2; minus strand), CDH2-AS1 (CDH2 antisense RNA 1; plus strand). Cytogenetic location: 18q12.1.
Variant type: single nucleotide variant.
Coding change: c.2674C>A on transcript NM_001792.5 (MANE Select); coding-DNA position 2674, C replaced by A.
Protein change: p.Pro892Thr; replaces proline 892 with threonine.
Molecular consequence: missense variant.
Genome position (GRCh38, 1-based): chr18:27,952,200, G>T on the plus strand (C>A on the coding strand, the complement: CDH2 is on the minus strand). VCF-style: chr18-27952200-G-T. GRCh37 (hg19) VCF-style: chr18-25532164-G-T.
Other names: c.2581C>A, p.Pro861Thr (NM_001308176.2); short protein forms P892T, P861T.
Identifiers: ClinVar variation 4988743 (VCV004988743.1).